The following is an entry in ClinVar:

NC_000023.10:g.(?_32380885)_(32472969_?)del

Gene: DMD (dystrophin; minus strand). Cytogenetic location: Xp21.1.
Variant type: Deletion.
Identifiers: ClinVar variation 1459735 (VCV001459735.4).

ClinVar aggregate classification (germline): Pathogenic (1 of 4 stars; one submission).

Conditions:
Duchenne muscular dystrophy (DMD). Also called: Duchenne Muscular Dystrophy (DMD); MUSCULAR DYSTROPHY, PSEUDOHYPERTROPHIC PROGRESSIVE, DUCHENNE TYPE. Identifiers: Orphanet 98896, MedGen C0013264, MONDO:0010679, OMIM 310200.

Submission:

Labcorp Genetics (formerly Invitae), Labcorp
Classification: Pathogenic for Duchenne muscular dystrophy. Last evaluated: 2021-06-09. Review status: criteria provided, single submitter. Criteria: Invitae Variant Classification Sherloc (09022015). Collection method: clinical testing. Allele origin: germline.
Comment: For these reasons, this variant has been classified as Pathogenic. The region of the DMD gene that includes exon(s) 30 has been determined to be clinically significant (PMID: 17259292, 19084397, 16770791). Therefore, deletions that encompass that region are likely to disrupt protein function and cause disease. This variant has not been reported in the literature in individuals with DMD-related conditions. This variant is a gross deletion of the genomic region encompassing exon(s) 26-37 of the DMD gene. This variant would be expected to be in-frame, preserving the integrity of the reading frame.

Literature cited by the submitters: PubMed 17259292; PubMed 19084397; PubMed 16770791.